The following is an entry in ClinVar:

NM_000352.6(ABCC8):c.4119+1G>C

Gene: ABCC8 (ATP binding cassette subfamily C member 8; minus strand). Cytogenetic location: 11p15.1.
Variant type: single nucleotide variant.
Coding change: c.4119+1G>C on transcript NM_000352.6 (MANE Select); the canonical splice donor site of the intron after coding-DNA position 4119, G replaced by C.
Molecular consequence: splice donor variant.
Genome position (GRCh38, 1-based): chr11:17,396,915, C>G on the plus strand (G>C on the coding strand, the complement: ABCC8 is on the minus strand). VCF-style: chr11-17396915-C-G. GRCh37 (hg19) VCF-style: chr11-17418462-C-G.
Other names: c.4116+1G>C (NM_001351297.2); c.4119+1G>C (NM_001351296.2); c.4185+1G>C (NM_001351295.2); c.4122+1G>C (NM_001287174.3).
Identifiers: ClinVar variation 3240002 (VCV003240002.2), dbSNP rs797045211.
Genomic context (GRCh38, chr11:17,396,915, plus strand): 5'-TGCATGCCCCATCCCCTGCTCACGCCTGTCCTGCAGCATTGGGTTGGGCCCGTGCTCTGA[C>G]CTTCTGTCCAGGGGCGATGAGGGCATTGACGTGCTTCAGCACCGGCTTCAGGGAGCTGTC-3'

ClinVar aggregate classification (germline): Likely pathogenic. Review status: criteria provided, multiple submitters, no conflicts (2 of 4 stars). 2 submissions from 2 submitters: Likely pathogenic (2). Last evaluated 2026-06-12.

Conditions:
Hyperinsulinemic hypoglycemia, familial, 1 (HHF1). Also called: Persistent hyperinsulinemic hypoglycemia of infancy; HYPERINSULINISM, FAMILIAL, WITH PANCREATIC NESIDIOBLASTOSIS; HYPOGLYCEMIA, HYPERINSULINEMIC, OF INFANCY; NESIDIOBLASTOSIS OF PANCREAS; Persistent Hyperinsulinemia Hypoglycemia of Infancy. Identifiers: Orphanet 276575, Orphanet 276598, MedGen C2931832, MONDO:0009734, OMIM 256450.
Type 2 diabetes mellitus. Also called: Type II diabetes mellitus. Identifiers: MedGen C0011860, MeSH D003924, MONDO:0005148, OMIM 125853, HP:0005978.

Submissions (2):

Myriad Genetics, Inc.
Classification: Likely pathogenic for Hyperinsulinemic hypoglycemia, familial, 1. Last evaluated: 2026-06-12. Review status: criteria provided, single submitter. Criteria: Myriad Autosomal Dominant, Autosomal Recessive and X-Linked Classification Criteria (2023). Collection method: clinical testing. Allele origin: unknown.
Comment: NM_000352.3(ABCC8):c.4119+1G>C is a variant in a canonical splice site classified as likely pathogenic in the context of familial hyperinsulinism, ABCC8-related. c.4119+1G>C has been observed in a case with relevant disease (PMID: 33108363). Relevant functional assessments of this variant are not available in the literature. c.4119+1G>C has not been observed in referenced population frequency databases. Please note: this variant was assessed in the context of healthy population screening.

Baylor Genetics
Classification: Likely pathogenic for Type 2 diabetes mellitus. Last evaluated: 2023-11-14. Review status: criteria provided, single submitter. Criteria: ACMG Guidelines, 2015. Collection method: clinical testing. Allele origin: unknown.

Literature cited by the submitters: PubMed 33108363 (cited by Myriad Genetics, Inc.).